The following is an entry in ClinVar:

ClinVar aggregate classification (germline): Uncertain significance. Review status: criteria provided, multiple submitters, no conflicts (2 of 4 stars). 2 submissions from 2 submitters: Uncertain significance (2). Last evaluated 2024-07-06.

Conditions:
Immunodeficiency 14 (IMD14A). Also called: ACTIVATED PI3K-DELTA SYNDROME 1; p110-DELTA-ACTIVATING MUTATION CAUSING SENESCENT T CELLS, LYMPHADENOPATHY, AND IMMUNODEFICIENCY; Activated PI3K Delta Syndrome Type 1 (APDS1); IMMUNODEFICIENCY 14A WITH LYMPHOPROLIFERATION, AUTOSOMAL DOMINANT. Identifiers: Orphanet 397596, Orphanet 693661, MedGen C5907821, MONDO:0014222, OMIM 615513.
Inborn genetic diseases. Identifiers: MedGen C0950123, MeSH D030342.

Submissions (2):

Ambry Genetics
Classification: Uncertain significance for Inborn genetic diseases. Last evaluated: 2024-07-06. Review status: criteria provided, single submitter. Criteria: Ambry Variant Classification Scheme 2023. Collection method: clinical testing. Allele origin: germline.

Labcorp Genetics (formerly Invitae), Labcorp
Classification: Uncertain significance for Activated PI3K-delta syndrome. Last evaluated: 2023-03-15. Review status: criteria provided, single submitter. Criteria: Invitae Variant Classification Sherloc (09022015). Collection method: clinical testing. Allele origin: germline.
Comment: In summary, the available evidence is currently insufficient to determine the role of this variant in disease. Therefore, it has been classified as a Variant of Uncertain Significance. Advanced modeling of protein sequence and biophysical properties (such as structural, functional, and spatial information, amino acid conservation, physicochemical variation, residue mobility, and thermodynamic stability) performed at Invitae indicates that this missense variant is not expected to disrupt PIK3CD protein function. This variant has not been reported in the literature in individuals affected with PIK3CD-related conditions. This variant is not present in population databases (gnomAD no frequency). This sequence change replaces histidine, which is basic and polar, with arginine, which is basic and polar, at codon 526 of the PIK3CD protein (p.His526Arg).

NM_005026.5(PIK3CD):c.1577A>G (p.His526Arg)

Gene: PIK3CD (phosphatidylinositol-4,5-bisphosphate 3-kinase catalytic subunit delta; plus strand). Cytogenetic location: 1p36.22.
Variant type: single nucleotide variant.
Coding change: c.1577A>G on transcript NM_005026.5 (MANE Select); coding-DNA position 1577, A replaced by G.
Protein change: p.His526Arg; replaces histidine 526 with arginine.
Molecular consequence: missense variant.
Genome position (GRCh38, 1-based): chr1:9,720,797, A>G. VCF-style: chr1-9720797-A-G. GRCh37 (hg19) VCF-style: chr1-9780855-A-G.
Other names: c.1574A>G, p.His525Arg (NM_001350234.2); c.1490A>G, p.His497Arg (NM_001350235.1); short protein forms H526R, H525R, H497R.
Identifiers: ClinVar variation 3011708 (VCV003011708.4), dbSNP rs2525033860, ClinGen allele CA338303821.